The following is an entry in ClinVar:

NM_000256.3(MYBPC3):c.655-5C>G

Gene: MYBPC3 (myosin binding protein C3; minus strand). Cytogenetic location: 11p11.2.
Variant type: single nucleotide variant.
Coding change: c.655-5C>G on transcript NM_000256.3 (MANE Select); 5 bases into the intron before coding-DNA position 655, C replaced by G.
Molecular consequence: intron variant.
Genome position (GRCh38, 1-based): chr11:47,348,546, G>C on the plus strand (C>G on the coding strand, the complement: MYBPC3 is on the minus strand). VCF-style: chr11-47348546-G-C. GRCh37 (hg19) VCF-style: chr11-47370097-G-C.
Identifiers: ClinVar variation 1754171 (VCV001754171.2), dbSNP rs1313592776, ClinGen allele CA2580084221.

ClinVar aggregate classification (germline): Uncertain significance (1 of 4 stars; one submission).

Conditions:
Cardiovascular phenotype. Identifiers: MedGen CN230736.

Submission:

Ambry Genetics
Classification: Uncertain significance for Cardiovascular phenotype. Last evaluated: 2021-11-03. Review status: criteria provided, single submitter. Criteria: Ambry Variant Classification Scheme 2023. Collection method: clinical testing. Allele origin: germline.
Comment: The c.655-5C>G intronic variant results from a C to G substitution 5 nucleotides upstream from coding exon 6 in the MYBPC3 gene. This nucleotide position is well conserved in available vertebrate species. In silico splice site analysis predicts that this alteration will result in the creation or strengthening of a novel splice acceptor site. Since supporting evidence is limited at this time, the clinical significance of this alteration remains unclear.